The following is an entry in ClinVar:

ClinVar aggregate classification (germline): Uncertain significance (1 of 4 stars; one submission).

Allele frequency attached by ClinVar (database versions not stated): gnomAD exomes 0.00001.
gnomAD v4.1: 8 of 1,578,810 alleles (0.00051%); highest among the groups gnomAD compares: Non-Finnish European, 0.00069%; no homozygotes.

Submission:

Ambry Genetics
Classification: Uncertain significance. Last evaluated: 2023-08-30. Review status: criteria provided, single submitter. Criteria: Ambry Variant Classification Scheme 2023. Collection method: clinical testing. Allele origin: germline.
Comment: The p.V956G variant (also known as c.2867T>G), located in coding exon 16 of the POLQ gene, results from a T to G substitution at nucleotide position 2867. The valine at codon 956 is replaced by glycine, an amino acid with dissimilar properties. This amino acid position is conserved. In addition, this alteration is predicted to be tolerated by in silico analysis. Since supporting evidence is limited at this time, the clinical significance of this alteration remains unclear.

NM_199420.4(POLQ):c.2867T>G (p.Val956Gly)

Gene: POLQ (DNA polymerase theta; minus strand). Cytogenetic location: 3q13.33.
Variant type: single nucleotide variant.
Coding change: c.2867T>G on transcript NM_199420.4 (MANE Select); coding-DNA position 2867, T replaced by G.
Protein change: p.Val956Gly; replaces valine 956 with glycine.
Molecular consequence: missense variant.
Genome position (GRCh38, 1-based): chr3:121,490,064, A>C on the plus strand (T>G on the coding strand, the complement: POLQ is on the minus strand). VCF-style: chr3-121490064-A-C. GRCh37 (hg19) VCF-style: chr3-121208911-A-C.
Other names: short protein forms V956G.
Identifiers: ClinVar variation 2624473 (VCV002624473.2), dbSNP rs2048053717, ClinGen allele CA354104199.